The following is an entry in ClinVar:

ClinVar aggregate classification (germline): Uncertain significance (1 of 4 stars; one submission).

Conditions:
Wagner disease. Also called: WAGNER SYNDROME 1; HYALOIDEORETINAL DEGENERATION OF WAGNER; WAGNER VITREORETINAL DEGENERATION; Wagner syndrome; Wagner Vitreoretinal Degeneration (Wagner Synrdome); WAGNER VITREORETINOPATHY. Identifiers: Orphanet 898, MedGen C1840452, MONDO:0007740, OMIM 143200.

Submission:

Victorian Clinical Genetics Services, Murdoch Childrens Research Institute
Classification: Uncertain significance for Wagner disease. Last evaluated: 2020-05-21. Review status: criteria provided, single submitter. Criteria: ACMG Guidelines, 2015. Collection method: clinical testing. Allele origin: germline. Inheritance: Autosomal dominant inheritance.
Comment: A heterozygous missense variant was identified, NM_004385.4(VCAN):c.2381G>C in exon 7 of 15 of the VCAN gene (NB: this variant is non-coding in alternative transcripts). This substitution is predicted to create a minor amino acid change from a serine to a threonine at position 794 of the protein; NP_004376.2(VCAN):p.(Ser794Thr). The serine at this position has low conservation (100 vertebrates, UCSC), and is located within the GAG-alpha domain (PDB, UniProt). In silico software predicts this variant to be tolerated (Polyphen, SIFT, CADD, Mutation Taster). The variant is not present in the gnomAD population database, however an alternative residue change at the same location has been reported at a frequency of 0.0004%. This variant has not previously been reported in clinical cases. Additionally, missense variants have not previously been reported pathogenic in patients with Wagner syndrome (ClinVar). Based on information available at the time of curation, this variant has been classified as a VUS with LOW CLINICAL RELEVANCE.

NM_004385.5(VCAN):c.2381G>C (p.Ser794Thr)

Gene: VCAN (versican; plus strand). Cytogenetic location: 5q14.3.
Variant type: single nucleotide variant.
Coding change: c.2381G>C on transcript NM_004385.5 (MANE Select); coding-DNA position 2381, G replaced by C.
Protein change: p.Ser794Thr; replaces serine 794 with threonine.
Molecular consequence: missense variant. On other transcripts: intron variant (2).
Genome position (GRCh38, 1-based): chr5:83,520,687, G>C. VCF-style: chr5-83520687-G-C. GRCh37 (hg19) VCF-style: chr5-82816506-G-C.
Other names: c.2381G>C, p.Ser794Thr (NM_001164098.2); c.1042+8291G>C (NM_001164097.2, NM_001126336.3); short protein forms S794T.
Identifiers: ClinVar variation 1699118 (VCV001699118.3), dbSNP rs2112409816, ClinGen allele CA360303812.